The following is an entry in ClinVar:

NM_017534.6(MYH2):c.4072G>A (p.Glu1358Lys)

Genes: MYHAS (myosin heavy chain gene cluster antisense RNA; plus strand), MYH2 (myosin heavy chain 2; minus strand). Cytogenetic location: 17p13.1.
Variant type: single nucleotide variant.
Coding change: c.4072G>A on transcript NM_017534.6 (MANE Select); coding-DNA position 4072, G replaced by A.
Protein change: p.Glu1358Lys; replaces glutamic acid 1358 with lysine.
Molecular consequence: missense variant.
Genome position (GRCh38, 1-based): chr17:10,526,714, C>T on the plus strand (G>A on the coding strand, the complement: MYH2 is on the minus strand). VCF-style: chr17-10526714-C-T. GRCh37 (hg19) VCF-style: chr17-10430031-C-T.
Other names: c.4072G>A, p.Glu1358Lys (NM_001100112.2); short protein forms E1358K.
Identifiers: ClinVar variation 3673291 (VCV003673291.2).
Genomic context (GRCh38, chr17:10,526,714, plus strand): 5'-TCCATTGGGCAACCTCGGTGTTGGCCTTGGACAGTGCTCTCTGCAGCTCGGCCTTGGATT[C>T]CTGCTCCTCCTCATACTGTTCCCGCAGCAGGTCACAGTCGTGGCGGGAAGACTGCAGGGC-3'
Protein context (NP_060004.3, residues 1348-1368): LLREQYEEEQ[Glu1358Lys]SKAELQRALS

ClinVar aggregate classification (germline): Uncertain significance (1 of 4 stars; one submission).

Conditions:
Myopathy, proximal, and ophthalmoplegia (CMYO6). Also called: CONGENITAL MYOPATHY 6 WITH OPHTHALMOPLEGIA; MYOPATHY WITH CONGENITAL JOINT CONTRACTURES, OPHTHALMOPLEGIA, AND RIMMED VACUOLES; INCLUSION BODY MYOPATHY 3, AUTOSOMAL DOMINANT. Identifiers: Orphanet 363677, Orphanet 79091, MedGen C1854106, MONDO:0011577, OMIM 605637.

gnomAD v4.1: 1 of 1,614,080 alleles (0.000062%); highest among the groups gnomAD compares: Non-Finnish European, 0.000085%; no homozygotes.

Submission:

Labcorp Genetics (formerly Invitae), Labcorp
Classification: Uncertain significance for Myopathy, proximal, and ophthalmoplegia. Last evaluated: 2024-11-14. Review status: criteria provided, single submitter. Criteria: Invitae Variant Classification Sherloc (09022015). Collection method: clinical testing. Allele origin: germline.
Comment: This sequence change replaces glutamic acid, which is acidic and polar, with lysine, which is basic and polar, at codon 1358 of the MYH2 protein (p.Glu1358Lys). This variant is not present in population databases (gnomAD no frequency). This variant has not been reported in the literature in individuals affected with MYH2-related conditions. Invitae Evidence Modeling of protein sequence and biophysical properties (such as structural, functional, and spatial information, amino acid conservation, physicochemical variation, residue mobility, and thermodynamic stability) indicates that this missense variant is not expected to disrupt MYH2 protein function with a negative predictive value of 80%. In summary, the available evidence is currently insufficient to determine the role of this variant in disease. Therefore, it has been classified as a Variant of Uncertain Significance.